The following is an entry in ClinVar:

ClinVar aggregate classification (germline): Uncertain significance. Review status: criteria provided, multiple submitters, no conflicts (2 of 4 stars). 2 submissions from 2 submitters: Uncertain significance (2). Last evaluated 2025-03-26.

Conditions:
Inborn genetic diseases. Identifiers: MedGen C0950123, MeSH D030342.
COG1 congenital disorder of glycosylation (CDG2G). Also called: CONGENITAL DISORDER OF GLYCOSYLATION, TYPE IIg; CDG IIg; CDGII/COG1 CEREBROCOSTOMANDIBULAR-LIKE SYNDROME. Identifiers: Orphanet 263508, MedGen C2931011, MONDO:0012637, OMIM 611209.

Allele frequency attached by ClinVar (database versions not stated): gnomAD exomes 0.00002 and 0.00006; TOPMed 0.00002; ExAC 0.00005.
gnomAD v4.1: 39 of 1,614,100 alleles (0.0024%); highest among the groups gnomAD compares: Admixed American, 0.0017%; no homozygotes.

Submissions (2):

Ambry Genetics
Classification: Uncertain significance for Inborn genetic diseases. Last evaluated: 2025-03-26. Review status: criteria provided, single submitter. Criteria: Ambry Variant Classification Scheme 2023. Collection method: clinical testing. Allele origin: germline.

Labcorp Genetics (formerly Invitae), Labcorp
Classification: Uncertain significance for COG1 congenital disorder of glycosylation. Last evaluated: 2021-10-08. Review status: criteria provided, single submitter. Criteria: Invitae Variant Classification Sherloc (09022015). Collection method: clinical testing. Allele origin: germline.
Comment: This sequence change replaces glycine with serine at codon 761 of the COG1 protein (p.Gly761Ser). The glycine residue is moderately conserved and there is a small physicochemical difference between glycine and serine. This variant is present in population databases (rs771789779, ExAC 0.007%). This variant has not been reported in the literature in individuals affected with COG1-related conditions. Algorithms developed to predict the effect of missense changes on protein structure and function are either unavailable or do not agree on the potential impact of this missense change (SIFT: "Tolerated"; PolyPhen-2: "Probably Damaging"; Align-GVGD: "Class C0"). In summary, the available evidence is currently insufficient to determine the role of this variant in disease. Therefore, it has been classified as a Variant of Uncertain Significance.

NM_018714.3(COG1):c.2281G>A (p.Gly761Ser)

Genes: COG1 (component of oligomeric golgi complex 1; plus strand), LOC125316790 (Sharpr-MPRA regulatory region 2581; plus strand). Cytogenetic location: 17q25.1.
Variant type: single nucleotide variant.
Coding change: c.2281G>A on transcript NM_018714.3 (MANE Select); coding-DNA position 2281, G replaced by A.
Protein change: p.Gly761Ser; replaces glycine 761 with serine.
Molecular consequence: missense variant.
Genome position (GRCh38, 1-based): chr17:73,203,692, G>A. VCF-style: chr17-73203692-G-A. GRCh37 (hg19) VCF-style: chr17-71199831-G-A.
Other names: c.2281G>A (NM_018714.2); short protein forms G761S.
Identifiers: ClinVar variation 1372435 (VCV001372435.6), dbSNP rs771789779, ClinGen allele CA8740419.